The following is an entry in ClinVar:

NM_000263.4(NAGLU):c.935A>C (p.Asp312Ala)

Gene: NAGLU (N-acetyl-alpha-glucosaminidase; plus strand). Cytogenetic location: 17q21.2.
Variant type: single nucleotide variant.
Coding change: c.935A>C on transcript NM_000263.4 (MANE Select); coding-DNA position 935, A replaced by C.
Protein change: p.Asp312Ala; replaces aspartic acid 312 with alanine.
Molecular consequence: missense variant.
Genome position (GRCh38, 1-based): chr17:42,541,120, A>C. VCF-style: chr17-42541120-A-C. GRCh37 (hg19) VCF-style: chr17-40693138-A-C.
Other names: short protein forms D312A.
Identifiers: ClinVar variation 2048997 (VCV002048997.4), dbSNP rs2510656576, ClinGen allele CA399600243.

ClinVar aggregate classification (germline): Likely pathogenic (1 of 4 stars; one submission).

Conditions:
Mucopolysaccharidosis, MPS-III-B (MPS3B). Also called: N-ACETYL-ALPHA-D-GLUCOSAMINIDASE DEFICIENCY; NAGLU DEFICIENCY; SANFILIPPO SYNDROME B; MPS III B; Mucopolysaccharidosis type IIIB (Sanfilippo B); MPS IIIB (Sanfilippo Syndrome Type B). Identifiers: Orphanet 79270, MedGen C0086648, MONDO:0009656, OMIM 252920.
Charcot-Marie-Tooth disease axonal type 2V. Also called: CHARCOT-MARIE-TOOTH NEUROPATHY, TYPE 2V; CHARCOT-MARIE-TOOTH DISEASE, AXONAL, AUTOSOMAL DOMINANT, TYPE 2V. Identifiers: Orphanet 447964, MedGen C5569050, MONDO:0014665, OMIM 616491.

Submission:

Labcorp Genetics (formerly Invitae), Labcorp
Classification: Likely pathogenic for Charcot-Marie-Tooth disease axonal type 2V; Mucopolysaccharidosis, MPS-III-B. Last evaluated: 2021-12-25. Review status: criteria provided, single submitter. Criteria: Invitae Variant Classification Sherloc (09022015). Collection method: clinical testing. Allele origin: germline.
Comment: This sequence change replaces aspartic acid, which is acidic and polar, with alanine, which is neutral and non-polar, at codon 312 of the NAGLU protein (p.Asp312Ala). In summary, the currently available evidence indicates that the variant is pathogenic, but additional data are needed to prove that conclusively. Therefore, this variant has been classified as Likely Pathogenic. This variant disrupts the p.Asp312 amino acid residue in NAGLU. Other variant(s) that disrupt this residue have been determined to be pathogenic (PMID: 21204211, 28844463, 29269699, 31969655, 32883051, 33747789). This suggests that this residue is clinically significant, and that variants that disrupt this residue are likely to be disease-causing. Advanced modeling of protein sequence and biophysical properties (such as structural, functional, and spatial information, amino acid conservation, physicochemical variation, residue mobility, and thermodynamic stability) performed at Invitae indicates that this missense variant is expected to disrupt NAGLU protein function. This variant has not been reported in the literature in individuals affected with NAGLU-related conditions. This variant is not present in population databases (gnomAD no frequency).

Literature cited by the submitters: PubMed 21204211; PubMed 28844463; PubMed 29269699; PubMed 31969655; PubMed 32883051; PubMed 33747789.